The following is an entry in ClinVar:

NM_000264.5(PTCH1):c.2052G>T (p.Glu684Asp)

Genes: PTCH1 (patched 1; minus strand), LOC100507346 (uncharacterized LOC100507346; plus strand). Cytogenetic location: 9q22.32.
Variant type: single nucleotide variant.
Coding change: c.2052G>T on transcript NM_000264.5 (MANE Select); coding-DNA position 2052, G replaced by T.
Protein change: p.Glu684Asp; replaces glutamic acid 684 with aspartic acid.
Molecular consequence: missense variant. On other transcripts: non-coding transcript variant (2).
Genome position (GRCh38, 1-based): chr9:95,468,949, C>A on the plus strand (G>T on the coding strand, the complement: PTCH1 is on the minus strand). VCF-style: chr9-95468949-C-A. GRCh37 (hg19) VCF-style: chr9-98231231-C-A.
Other names: c.1854G>T, p.Glu618Asp (NM_001083602.3); c.2049G>T, p.Glu683Asp (NM_001083603.3); c.1599G>T, p.Glu533Asp (NM_001083604.3, NM_001083605.3, NM_001083606.3 and 1 more transcripts); c.1896G>T, p.Glu632Asp (NM_001354918.2); short protein forms E632D, E683D, E684D, E533D, E618D.
Identifiers: ClinVar variation 4675469 (VCV004675469.1).

ClinVar aggregate classification (germline): Uncertain significance (1 of 4 stars; one submission).

Conditions:
Hereditary cancer-predisposing syndrome. Also called: Neoplastic Syndromes, Hereditary; Tumor predisposition; Hereditary Cancer Syndrome; Hereditary neoplastic syndrome. Identifiers: Orphanet 140162, MedGen C0027672, MeSH D009386, MONDO:0015356.

Submission:

Ambry Genetics
Classification: Uncertain significance for Hereditary cancer-predisposing syndrome. Last evaluated: 2025-09-28. Review status: criteria provided, single submitter. Criteria: Ambry Variant Classification Scheme 2023. Collection method: clinical testing. Allele origin: germline.
Comment: The p.E684D variant (also known as c.2052G>T), located in coding exon 14 of the PTCH1 gene, results from a G to T substitution at nucleotide position 2052. The glutamic acid at codon 684 is replaced by aspartic acid, an amino acid with highly similar properties. This amino acid position is conserved. In addition, this alteration is predicted to be tolerated by in silico analysis. Based on the available evidence, the clinical significance of this variant remains unclear.